The following is an entry in ClinVar:

ClinVar aggregate classification (germline): Conflicting classifications of pathogenicity. Review status: criteria provided, conflicting classifications (1 of 4 stars). 4 submissions from 4 submitters: Pathogenic (1); Likely pathogenic (1); Uncertain significance (2). Last evaluated 2025-12-19.

Conditions:
Microcephaly 2, primary, autosomal recessive, with or without cortical malformations. Also called: MICROCEPHALY 2, PRIMARY, AUTOSOMAL RECESSIVE, WITH CORTICAL MALFORMATIONS; WDR62 Primary Microcephaly. Identifiers: Orphanet 2512, MedGen C1858535, MONDO:0011435, OMIM 604317.

Allele frequency attached by ClinVar (database versions not stated): gnomAD exomes 0.00001; TOPMed 0.00001; gnomAD 0.00002; ExAC 0.00003.
gnomAD v4.1: 16 of 1,606,612 alleles (0.001%); highest among the groups gnomAD compares: African/African-American, 0.0013%; no homozygotes.

Submissions (4):

Labcorp Genetics (formerly Invitae), Labcorp
Classification: Likely pathogenic. Last evaluated: 2025-12-19. Review status: criteria provided, single submitter. Criteria: Invitae Variant Classification Sherloc (09022015). Collection method: clinical testing. Allele origin: germline.
Comment: This sequence change affects codon 507 of the WDR62 mRNA. It is a 'silent' change, meaning that it does not change the encoded amino acid sequence of the WDR62 protein. This variant is present in population databases (rs778207666, gnomAD 0.003%). This variant has been observed in individual(s) with primary microcephaly (PMID: 31696992, 34402213, 35726608). In at least one individual the data is consistent with being in trans (on the opposite chromosome) from a pathogenic variant. It has also been observed to segregate with disease in related individuals. ClinVar contains an entry for this variant (Variation ID: 328913). Algorithms developed to predict the effect of sequence changes on RNA splicing suggest that this variant may disrupt the consensus splice site. In summary, the currently available evidence indicates that the variant is pathogenic, but additional data are needed to prove that conclusively. Therefore, this variant has been classified as Likely Pathogenic.

GeneDx
Classification: Uncertain significance. Last evaluated: 2021-05-17. Review status: criteria provided, single submitter. Criteria: GeneDx Variant Classification Process June 2021. Collection method: clinical testing. Allele origin: germline. Affected: yes.
Comment: Not observed at a significant frequency in large population cohorts (Lek et al., 2016); In-silico analysis, which includes splice predictors and evolutionary conservation, is inconclusive as to whether the variant alters gene splicing. In the absence of RNA/functional studies, the actual effect of this sequence change is unknown.; This variant is associated with the following publications: (PMID: 31696992)

Illumina Laboratory Services, Illumina
Classification: Uncertain significance for Microcephaly 2, primary, autosomal recessive, with or without cortical malformations. Last evaluated: 2018-01-13. Review status: criteria provided, single submitter. Criteria: ICSL Variant Classification Criteria 13 December 2019. Collection method: clinical testing. Allele origin: germline.

Child Neurology Department, Hôpital Universitaire de Bruxelles
Classification: Pathogenic for Microcephaly 2, primary, autosomal recessive, with or without cortical malformations. Review status: criteria provided, single submitter. Criteria: ACMG Guidelines, 2015. Collection method: clinical testing. Allele origin: maternal. Affected: yes.

Literature cited by the submitters: PubMed 31696992 (cited by Labcorp Genetics (formerly Invitae), Labcorp); PubMed 34402213 (cited by Labcorp Genetics (formerly Invitae), Labcorp); PubMed 35726608 (cited by Labcorp Genetics (formerly Invitae), Labcorp).

NM_001083961.2(WDR62):c.1521G>A (p.Leu507=)

Gene: WDR62 (WD repeat domain 62; plus strand). Cytogenetic location: 19q13.12.
Variant type: single nucleotide variant.
Coding change: c.1521G>A on transcript NM_001083961.2 (MANE Select); coding-DNA position 1521, G replaced by A.
Protein change: p.Leu507=; no amino-acid change (leucine 507 retained).
Molecular consequence: synonymous variant.
Genome position (GRCh38, 1-based): chr19:36,083,212, G>A. VCF-style: chr19-36083212-G-A. GRCh37 (hg19) VCF-style: chr19-36574114-G-A.
Other names: c.1521G>A, p.Leu507= (NM_173636.5).
Identifiers: ClinVar variation 328913 (VCV000328913.10), dbSNP rs778207666, ClinGen allele CA9395622.